The following is an entry in ClinVar:

NM_024675.4(PALB2):c.3113+1376C>G

Gene: PALB2 (partner and localizer of BRCA2; minus strand). Cytogenetic location: 16p12.2.
Variant type: single nucleotide variant.
Coding change: c.3113+1376C>G on transcript NM_024675.4 (MANE Select); 1376 bases into the intron after coding-DNA position 3113, C replaced by G.
Molecular consequence: intron variant.
Genome position (GRCh38, 1-based): chr16:23,619,986, G>C on the plus strand (C>G on the coding strand, the complement: PALB2 is on the minus strand). VCF-style: chr16-23619986-G-C. GRCh37 (hg19) VCF-style: chr16-23631307-G-C.
Identifiers: ClinVar variation 830193 (VCV000830193.5), dbSNP rs369444, ClinGen allele CA14307904.
Genomic context (GRCh38, chr16:23,619,986, plus strand): 5'-TGCACCACCACGCCTGGCTAATTTTTGTATTTTTAGTAGAGCTGGGGTTTTGCCTTGTTG[G>C]CCAGGCTGGTCTCGAACACTTGGCCTCAAGTGATCTGCCTGCCTTGGCCTCCCAAAGTGC-3'

ClinVar aggregate classification (germline): Benign. Review status: criteria provided, multiple submitters, no conflicts (2 of 4 stars). 3 submissions from 3 submitters: Benign (2). 1 of the submissions does not count toward it. Last evaluated 2022-05-04.

Conditions:
Familial cancer of breast. Also called: BREAST CANCER, FAMILIAL; Hereditary breast cancer; hereditary breast carcinoma. Identifiers: Orphanet 227535, MedGen C0346153, MONDO:0016419, OMIM 114480. Disease mechanism: loss of function.

Allele frequency attached by ClinVar (database versions not stated): gnomAD 0.07316 and 0.07449; TOPMed 0.07442; 1000 Genomes Project 30x 0.09775; 1000 Genomes Project 0.09984.
gnomAD v4.1: 11,283 of 152,102 alleles (7.4%); highest among the groups gnomAD compares: East Asian, 18%; 485 homozygotes.

Submissions (3):

Mendelics
Classification: Benign. Last evaluated: 2022-05-04. Review status: criteria provided, single submitter. Criteria: Mendelics Assertion Criteria 2019. Collection method: clinical testing. Allele origin: germline.

Breakthrough Genomics
Classification: Benign. Review status: criteria provided, single submitter. Criteria: ACMG Guidelines, 2015. Collection method: not provided. Allele origin: germline. Inheritance: Autosomal dominant inheritance. Affected: yes.

Leiden Open Variation Database
Classification: Benign for Familial cancer of breast. Last evaluated: 2021-10-04. Review status: no assertion criteria provided. Collection method: curation. Allele origin: germline. Affected: yes. Not counted in ClinVar's aggregate classification.
Comment: Curators: Marc Tischkowitz, Arleen D. Auerbach. Submitter to LOVD: Marc Tischkowitz.

Literature cited by the submitters: PubMed 24136930 (cited by Leiden Open Variation Database).